The following is an entry in ClinVar:

ClinVar aggregate classification (germline): Uncertain significance (1 of 4 stars; one submission).

Conditions:
Inborn genetic diseases. Identifiers: MedGen C0950123, MeSH D030342.

Submission:

Ambry Genetics
Classification: Uncertain significance for Inborn genetic diseases. Last evaluated: 2026-06-24. Review status: criteria provided, single submitter. Criteria: Ambry Variant Classification Scheme 2023. Collection method: clinical testing. Allele origin: germline.
Comment: The p.V830M variant (also known as c.2488G>A), located in coding exon 21 of the DNMT3A gene, results from a G to A substitution at nucleotide position 2488. The valine at codon 830 is replaced by methionine, an amino acid with highly similar properties. This amino acid position is conserved. In addition, this alteration is predicted to be deleterious by in silico analysis. Based on the available evidence, the clinical significance of this variant remains unclear.

NM_022552.5(DNMT3A):c.2488G>A (p.Val830Met)

Gene: DNMT3A (DNA methyltransferase 3 alpha; minus strand). Cytogenetic location: 2p23.3.
Variant type: single nucleotide variant.
Coding change: c.2488G>A on transcript NM_022552.5 (MANE Select); coding-DNA position 2488, G replaced by A.
Protein change: p.Val830Met; replaces valine 830 with methionine.
Molecular consequence: missense variant. On other transcripts: non-coding transcript variant (1).
Genome position (GRCh38, 1-based): chr2:25,235,816, C>T on the plus strand (G>A on the coding strand, the complement: DNMT3A is on the minus strand). VCF-style: chr2-25235816-C-T. GRCh37 (hg19) VCF-style: chr2-25458685-C-T.
Other names: c.2032G>A, p.Val678Met (NM_001320893.1); c.1819G>A, p.Val607Met (NM_001375819.1); c.1921G>A, p.Val641Met (NM_153759.3); c.2488G>A, p.Val830Met (NM_175629.2); short protein forms V641M, V607M, V678M, V830M.
Identifiers: ClinVar variation 5035498 (VCV005035498.1).